The following is an entry in ClinVar:

NM_001378778.1(MPDZ):c.529C>T (p.His177Tyr)

Gene: MPDZ (multiple PDZ domain crumbs cell polarity complex component; minus strand). Cytogenetic location: 9p23.
Variant type: single nucleotide variant.
Coding change: c.529C>T on transcript NM_001378778.1 (MANE Select); coding-DNA position 529, C replaced by T.
Protein change: p.His177Tyr; replaces histidine 177 with tyrosine.
Molecular consequence: missense variant.
Genome position (GRCh38, 1-based): chr9:13,223,575, G>A on the plus strand (C>T on the coding strand, the complement: MPDZ is on the minus strand). VCF-style: chr9-13223575-G-A. GRCh37 (hg19) VCF-style: chr9-13223574-G-A.
Other names: c.529C>T, p.His177Tyr (NM_001261406.2, NM_001261407.2, NM_001330637.2 and 14 more transcripts); short protein forms H177Y.
Identifiers: ClinVar variation 709855 (VCV000709855.14), dbSNP rs149105522, ClinGen allele CA4988102.

ClinVar aggregate classification (germline): Benign/Likely benign. Review status: criteria provided, multiple submitters, no conflicts (2 of 4 stars). 3 submissions from 3 submitters: Benign (1); Likely benign (1). 1 of the submissions does not count toward it. Last evaluated 2026-01-28.

Conditions:
MPDZ-related disorder. Also called: MPDZ-related condition.

Allele frequency attached by ClinVar (database versions not stated): gnomAD exomes 0.00044 and 0.00100; ExAC 0.00135; gnomAD 0.00513 and 0.00486; ESP Exome Variant Server 0.00460; 1000 Genomes Project 0.00499; TOPMed 0.00499; 1000 Genomes Project 30x 0.00500.
gnomAD v4.1: 1,415 of 1,610,552 alleles (0.088%); highest among the groups gnomAD compares: African/African-American, 1.6%; 11 homozygotes.

Submissions (3):

Labcorp Genetics (formerly Invitae), Labcorp
Classification: Benign. Last evaluated: 2026-01-28. Review status: criteria provided, single submitter. Criteria: Invitae Variant Classification Sherloc (09022015). Collection method: clinical testing. Allele origin: germline.

Blueprint Genetics
Classification: Likely benign. Last evaluated: 2024-11-25. Review status: criteria provided, single submitter. Criteria: ACMG Guidelines, 2015. Collection method: clinical testing. Allele origin: germline.

PreventionGenetics, part of Exact Sciences
Classification: Benign for MPDZ-related condition. Last evaluated: 2019-09-06. Review status: no assertion criteria provided. Collection method: clinical testing. Allele origin: germline. Not counted in ClinVar's aggregate classification.
Comment: This variant is classified as benign based on ACMG/AMP sequence variant interpretation guidelines (Richards et al. 2015 PMID: 25741868, with internal and published modifications).